The following is an entry in ClinVar:

NM_173651.4(FSIP2):c.13017A>G (p.Val4339=)

Gene: FSIP2 (fibrous sheath interacting protein 2; plus strand). Cytogenetic location: 2q32.1.
Variant type: single nucleotide variant.
Coding change: c.13017A>G on transcript NM_173651.4 (MANE Select); coding-DNA position 13017, A replaced by G.
Protein change: p.Val4339=; no amino-acid change (valine 4339 retained).
Molecular consequence: synonymous variant.
Genome position (GRCh38, 1-based): chr2:185,802,323, A>G. VCF-style: chr2-185802323-A-G. GRCh37 (hg19) VCF-style: chr2-186667050-A-G.
Identifiers: ClinVar variation 5038809 (VCV005038809.1).

ClinVar aggregate classification (germline): Likely benign (1 of 4 stars; one submission).

gnomAD v4.1: 4 of 1,533,868 alleles (0.00026%); highest among the groups gnomAD compares: Non-Finnish European, 0.00026%; no homozygotes.

Submission:

CeGaT Center for Human Genetics Tuebingen
Classification: Likely benign. Last evaluated: 2026-07-01. Review status: criteria provided, single submitter. Criteria: CeGaT Center For Human Genetics Tuebingen Variant Classification Criteria Version 2. Collection method: clinical testing. Allele origin: germline. Affected: yes. Observed: 1 variant allele.
Comment: FSIP2: BP4, BP7